The following is an entry in ClinVar:

NM_000079.4(CHRNA1):c.705C>A (p.Ile235=)

Gene: CHRNA1 (cholinergic receptor nicotinic alpha 1 subunit; minus strand). Cytogenetic location: 2q31.1.
Variant type: single nucleotide variant.
Coding change: c.705C>A on transcript NM_000079.4 (MANE Select); coding-DNA position 705, C replaced by A.
Protein change: p.Ile235=; no amino-acid change (isoleucine 235 retained).
Molecular consequence: synonymous variant.
Genome position (GRCh38, 1-based): chr2:174,753,576, G>T on the plus strand (C>A on the coding strand, the complement: CHRNA1 is on the minus strand). VCF-style: chr2-174753576-G-T. GRCh37 (hg19) VCF-style: chr2-175618304-G-T.
Other names: c.780C>A (NM_001039523.2); c.780C>A, p.Ile260= (NM_001039523.3).
Identifiers: ClinVar variation 332446 (VCV000332446.15), dbSNP rs143252724, ClinGen allele CA1974490.

ClinVar aggregate classification (germline): Conflicting classifications of pathogenicity. Review status: criteria provided, conflicting classifications (1 of 4 stars). 4 submissions from 3 submitters: Uncertain significance (2); Likely benign (1). 1 of the submissions does not count toward it. Last evaluated 2024-02-20.

Conditions:
CHRNA1-related disorder. Also called: CHRNA1-related condition.
Congenital myasthenic syndrome (CMS). Also called: Congenital Myasthenic Syndromes. Identifiers: Orphanet 590, MedGen C0751882, MeSH D020294, MONDO:0018940.
Lethal multiple pterygium syndrome (LMPS). Identifiers: Orphanet 33108, MedGen C1854678, MONDO:0009668, OMIM 253290.

Allele frequency attached by ClinVar (database versions not stated): ESP Exome Variant Server 0.00008; 1000 Genomes Project 30x 0.00016.
gnomAD v4.1: 7 of 1,614,184 alleles (0.00043%); highest among the groups gnomAD compares: Admixed American, 0.0017%; no homozygotes.

Submissions (4):

Labcorp Genetics (formerly Invitae), Labcorp
Classification: Likely benign for Lethal multiple pterygium syndrome. Last evaluated: 2024-02-20. Review status: criteria provided, single submitter. Criteria: Invitae Variant Classification Sherloc (09022015). Collection method: clinical testing. Allele origin: germline.

Illumina Laboratory Services, Illumina
Classification: Uncertain significance for Congenital myasthenic syndrome. Last evaluated: 2018-01-12. Review status: criteria provided, single submitter. Criteria: ICSL Variant Classification Criteria 13 December 2019. Collection method: clinical testing. Allele origin: germline.

Illumina Laboratory Services, Illumina
Classification: Uncertain significance for Lethal multiple pterygium syndrome. Last evaluated: 2018-01-12. Review status: criteria provided, single submitter. Criteria: ICSL Variant Classification Criteria 13 December 2019. Collection method: clinical testing. Allele origin: germline.

PreventionGenetics, part of Exact Sciences
Classification: Likely benign for CHRNA1-related condition. Last evaluated: 2024-05-14. Review status: no assertion criteria provided. Collection method: clinical testing. Allele origin: germline. Not counted in ClinVar's aggregate classification.
Comment: This variant is classified as likely benign based on ACMG/AMP sequence variant interpretation guidelines (Richards et al. 2015 PMID: 25741868, with internal and published modifications).